The following is an entry in ClinVar:

ClinVar aggregate classification (germline): Conflicting classifications of pathogenicity. Review status: criteria provided, conflicting classifications (1 of 4 stars). 3 submissions from 3 submitters: Uncertain significance (2); Likely benign (1). Last evaluated 2025-03-04.

Conditions:
Facial dysmorphism-immunodeficiency-livedo-short stature syndrome. Also called: Facial dysmorphism, immunodeficiency, livedo, and short stature; FILS syndrome. Identifiers: Orphanet 352712, MedGen C3554576, MONDO:0014058, OMIM 615139.
Colorectal cancer, susceptibility to, 12 (CRCS12). Also called: COLORECTAL CANCER, SUSCEPTIBILITY TO, ON CHROMOSOME 12q24. Identifiers: Orphanet 220460, MedGen C3554460, MONDO:0014038, OMIM 615083.
Intrauterine growth retardation, metaphyseal dysplasia, adrenal hypoplasia congenita, genital anomalies, and immunodeficiency. Also called: IMAGEI SYNDROME. Identifiers: MedGen C5193036, MONDO:0032684, OMIM 618336.

Allele frequency attached by ClinVar (database versions not stated): gnomAD exomes 0.00003; gnomAD 0.00003; TOPMed 0.00003.

Submissions (3):

Center for Genomic Medicine, Rigshospitalet, Copenhagen University Hospital
Classification: Likely benign. Last evaluated: 2025-03-04. Review status: criteria provided, single submitter. Criteria: ACMG Guidelines, 2015. Collection method: clinical testing. Allele origin: germline.

Fulgent Genetics
Classification: Uncertain significance for Colorectal cancer, susceptibility to, 12; Facial dysmorphism-immunodeficiency-livedo-short stature syndrome; Intrauterine growth retardation, metaphyseal dysplasia, adrenal hypoplasia congenita, genital anomalies, and immunodeficiency. Last evaluated: 2022-03-11. Review status: criteria provided, single submitter. Criteria: ACMG Guidelines, 2015. Collection method: clinical testing. Allele origin: unknown.

GeneDx
Classification: Uncertain significance. Last evaluated: 2018-02-02. Review status: criteria provided, single submitter. Criteria: GeneDx Variant Classification (06012015). Collection method: clinical testing. Allele origin: germline. Affected: yes.
Comment: This variant is denoted POLE c.-47G>T and describes a nucleotide substitution 47 base pairs upstream of the ATG translational start site in the 5' untranslated region (UTR). The surrounding sequence, with the base that is substituted in braces, is GGGA[G/T]CGCG. This variant has not, to our knowledge, been published in the literature as pathogenic or benign. This variant does not affect the start codon or the Kozak translational consensus sequence. POLE c.-47G>T occurs at a position that is conserved in mammals. This variant was not observed in approximately 3,700 individuals of European and African American ancestry in the NHLBI Exome Sequencing Project, suggesting it is not a common benign variant in these populations. Based on currently available evidence, it is unclear whether POLE c.-47G>T is a pathogenic or benign variant. We consider it to be a variant of uncertain significance.

NM_006231.4(POLE):c.-47G>T

Genes: POLE (DNA polymerase epsilon, catalytic subunit; minus strand), LOC130009266 (ATAC-STARR-seq lymphoblastoid silent region 5123; plus strand). Cytogenetic location: 12q24.33.
Variant type: single nucleotide variant.
Coding change: c.-47G>T on transcript NM_006231.4 (MANE Select); 47 bases upstream of the start codon, G replaced by T.
Genome position (GRCh38, 1-based): chr12:132,687,362, C>A on the plus strand (G>T on the coding strand, the complement: POLE is on the minus strand). VCF-style: chr12-132687362-C-A. GRCh37 (hg19) VCF-style: chr12-133263948-C-A.
Identifiers: ClinVar variation 422515 (VCV000422515.7), dbSNP rs1014146082, ClinGen allele CA16619492.